The following is an entry in ClinVar:

ClinVar aggregate classification (germline): Uncertain significance. Review status: criteria provided, multiple submitters, no conflicts (2 of 4 stars). 4 submissions from 4 submitters: Uncertain significance (4). Last evaluated 2025-06-23.

Conditions:
Multiple endocrine neoplasia, type 2 (MEN2). Identifiers: Orphanet 653, MedGen C4048306, MONDO:0019003. Disease mechanism: gain of function.
Hereditary cancer-predisposing syndrome. Also called: Neoplastic Syndromes, Hereditary; Hereditary Cancer Syndrome; Tumor predisposition; Hereditary neoplastic syndrome. Identifiers: Orphanet 140162, MedGen C0027672, MeSH D009386, MONDO:0015356.

Allele frequency attached by ClinVar (database versions not stated): TOPMed below 0.00001; gnomAD 0.00001.

Submissions (4):

Quest Diagnostics Nichols Institute San Juan Capistrano
Classification: Uncertain significance. Last evaluated: 2025-06-23. Review status: criteria provided, single submitter. Criteria: Quest Diagnostics criteria. Collection method: clinical testing. Allele origin: unknown.

Ambry Genetics
Classification: Uncertain significance for Hereditary cancer-predisposing syndrome. Last evaluated: 2024-11-10. Review status: criteria provided, single submitter. Criteria: Ambry Variant Classification Scheme 2023. Collection method: clinical testing. Allele origin: germline.
Comment: The p.S220C variant (also known as c.658A>T), located in coding exon 4 of the RET gene, results from an A to T substitution at nucleotide position 658. The serine at codon 220 is replaced by cysteine, an amino acid with dissimilar properties. This amino acid position is conserved. In addition, this alteration is predicted to be tolerated by in silico analysis. Since supporting evidence is limited at this time, the clinical significance of this alteration remains unclear.

Labcorp Genetics (formerly Invitae), Labcorp
Classification: Uncertain significance for Multiple endocrine neoplasia, type 2. Last evaluated: 2023-10-23. Review status: criteria provided, single submitter. Criteria: Invitae Variant Classification Sherloc (09022015). Collection method: clinical testing. Allele origin: germline.
Comment: This sequence change replaces serine, which is neutral and polar, with cysteine, which is neutral and slightly polar, at codon 220 of the RET protein (p.Ser220Cys). This variant is present in population databases (no rsID available, gnomAD no frequency). This variant has not been reported in the literature in individuals affected with RET-related conditions. ClinVar contains an entry for this variant (Variation ID: 543755). Algorithms developed to predict the effect of missense changes on protein structure and function output the following: SIFT: "Not Available"; PolyPhen-2: "Benign"; Align-GVGD: "Not Available". The cysteine amino acid residue is found in multiple mammalian species, which suggests that this missense change does not adversely affect protein function. In summary, the available evidence is currently insufficient to determine the role of this variant in disease. Therefore, it has been classified as a Variant of Uncertain Significance.

All of Us Research Program, National Institutes of Health
Classification: Uncertain significance for Multiple endocrine neoplasia, type 2. Last evaluated: 2023-07-10. Review status: criteria provided, single submitter. Criteria: ACMG Guidelines, 2015. Collection method: clinical testing. Allele origin: germline. Inheritance: Autosomal dominant inheritance. Observed: 1 variant allele, 1 heterozygote.
Comment: This missense variant replaces serine with cysteine at codon 220 of the RET protein. Computational prediction suggests that this variant may not impact protein structure and function (internally defined REVEL score threshold <= 0.5, PMID: 27666373). To our knowledge, functional studies have not been reported for this variant. This variant has not been reported in individuals affected with RET-related disorders in the literature. This variant has not been identified in the general population by the Genome Aggregation Database (gnomAD). The available evidence is insufficient to determine the role of this variant in disease conclusively. Therefore, this variant is classified as a Variant of Uncertain Significance.

This study involves interpretation of variants in research participants for the purpose of population health screening. Participant phenotype was not available at the time of variant classification. Additional details can be found in publication PMID: 35346344, PMCID: PMC8962531

NM_020975.6(RET):c.658A>T (p.Ser220Cys)

Gene: RET (ret proto-oncogene; plus strand). Cytogenetic location: 10q11.21.
Variant type: single nucleotide variant.
Coding change: c.658A>T on transcript NM_020975.6 (MANE Select); coding-DNA position 658, A replaced by T.
Protein change: p.Ser220Cys; replaces serine 220 with cysteine.
Molecular consequence: missense variant.
Genome position (GRCh38, 1-based): chr10:43,104,984, A>T. VCF-style: chr10-43104984-A-T. GRCh37 (hg19) VCF-style: chr10-43600432-A-T.
Other names: c.658A>T, p.Ser220Cys (NM_000323.2, NM_001406743.1, NM_001406744.1 and 8 more transcripts); c.-105A>T (NM_001355216.2); c.529A>T, p.Ser177Cys (NM_001406761.1, NM_001406762.1, NM_001406764.1 and 2 more transcripts); c.370A>T, p.Ser124Cys (NM_001406766.1, NM_001406767.1, NM_001406770.1); short protein forms S220C, S177C, S124C.
Identifiers: ClinVar variation 543755 (VCV000543755.15), dbSNP rs1484566321, ClinGen allele CA376544404.